The following is an entry in ClinVar:

NM_005859.5(PURA):c.425C>A (p.Ala142Glu)

Genes: PURA (purine rich element binding protein A; plus strand), LOC129994826 (ATAC-STARR-seq lymphoblastoid active region 23260; plus strand). Cytogenetic location: 5q31.3.
Variant type: single nucleotide variant.
Coding change: c.425C>A on transcript NM_005859.5 (MANE Select); coding-DNA position 425, C replaced by A.
Protein change: p.Ala142Glu; replaces alanine 142 with glutamic acid.
Molecular consequence: missense variant.
Genome position (GRCh38, 1-based): chr5:140,114,606, C>A. VCF-style: chr5-140114606-C-A. GRCh37 (hg19) VCF-style: chr5-139494191-C-A.
Other names: short protein forms A142E.
Identifiers: ClinVar variation 2701751 (VCV002701751.3), dbSNP rs1763046755, ClinGen allele CA361490735.

ClinVar aggregate classification (germline): Uncertain significance (1 of 4 stars; one submission).

Conditions:
PURA-related severe neonatal hypotonia-seizures-encephalopathy syndrome (NEDRIHF). Also called: NEURODEVELOPMENTAL DISORDER WITH NEONATAL RESPIRATORY INSUFFICIENCY, HYPOTONIA, AND FEEDING DIFFICULTIES; PURA-Related Neurodevelopmental Disorders. Identifiers: Orphanet 438213, Orphanet 438216, MedGen C4015357, MONDO:1060108, OMIM 616158, MONDO:0018580.

gnomAD v4.1: 1 of 1,606,616 alleles (0.000062%); highest among the groups gnomAD compares: Non-Finnish European, 0.000085%; no homozygotes.

Submission:

Labcorp Genetics (formerly Invitae), Labcorp
Classification: Uncertain significance for PURA-related severe neonatal hypotonia-seizures-encephalopathy syndrome. Last evaluated: 2025-07-08. Review status: criteria provided, single submitter. Criteria: Invitae Variant Classification Sherloc (09022015). Collection method: clinical testing. Allele origin: germline.
Comment: This sequence change replaces alanine, which is neutral and non-polar, with glutamic acid, which is acidic and polar, at codon 142 of the PURA protein (p.Ala142Glu). This variant is not present in population databases (gnomAD no frequency). This variant has not been reported in the literature in individuals affected with PURA-related conditions. ClinVar contains an entry for this variant (Variation ID: 2701751). Invitae Evidence Modeling of protein sequence and biophysical properties (such as structural, functional, and spatial information, amino acid conservation, physicochemical variation, residue mobility, and thermodynamic stability) indicates that this missense variant is not expected to disrupt PURA protein function with a negative predictive value of 95%. In summary, the available evidence is currently insufficient to determine the role of this variant in disease. Therefore, it has been classified as a Variant of Uncertain Significance.